The following is an entry in ClinVar:

ClinVar aggregate classification (germline): Uncertain significance (1 of 4 stars; one submission).

gnomAD v4.1: 6 of 1,614,152 alleles (0.00037%); highest among the groups gnomAD compares: Admixed American, 0.0033%; no homozygotes.

Submission:

Labcorp Genetics (formerly Invitae), Labcorp
Classification: Uncertain significance. Last evaluated: 2025-04-09. Review status: criteria provided, single submitter. Criteria: Invitae Variant Classification Sherloc (09022015). Collection method: clinical testing. Allele origin: germline.
Comment: This sequence change replaces arginine, which is basic and polar, with cysteine, which is neutral and slightly polar, at codon 36 of the SLC1A2 protein (p.Arg36Cys). This variant is present in population databases (no rsID available, gnomAD 0.006%). This variant has not been reported in the literature in individuals affected with SLC1A2-related conditions. Invitae Evidence Modeling of protein sequence and biophysical properties (such as structural, functional, and spatial information, amino acid conservation, physicochemical variation, residue mobility, and thermodynamic stability) indicates that this missense variant is not expected to disrupt SLC1A2 protein function with a negative predictive value of 80%. In summary, the available evidence is currently insufficient to determine the role of this variant in disease. Therefore, it has been classified as a Variant of Uncertain Significance.

NM_004171.4(SLC1A2):c.106C>T (p.Arg36Cys)

Gene: SLC1A2 (solute carrier family 1 member 2; minus strand). Cytogenetic location: 11p13.
Variant type: single nucleotide variant.
Coding change: c.106C>T on transcript NM_004171.4 (MANE Select); coding-DNA position 106, C replaced by T.
Protein change: p.Arg36Cys; replaces arginine 36 with cysteine.
Molecular consequence: missense variant.
Genome position (GRCh38, 1-based): chr11:35,317,428, G>A on the plus strand (C>T on the coding strand, the complement: SLC1A2 is on the minus strand). VCF-style: chr11-35317428-G-A. GRCh37 (hg19) VCF-style: chr11-35338975-G-A.
Other names: c.79C>T, p.Arg27Cys (NM_001195728.3, NM_001252652.2, NM_001439341.1); c.94C>T, p.Arg32Cys (NM_001439342.1); c.106C>T, p.Arg36Cys (NM_001439343.1); short protein forms R27C, R32C, R36C.
Identifiers: ClinVar variation 4746183 (VCV004746183.1).